The following is an entry in ClinVar:

ClinVar aggregate classification (germline): Uncertain significance (1 of 4 stars; one submission).

Conditions:
SLCO2A1-related disorder. Also called: SLCO2A1-related condition.

Submission:

PreventionGenetics, part of Exact Sciences
Classification: Uncertain significance for SLCO2A1-related condition. Last evaluated: 2026-02-02. Review status: criteria provided, single submitter. Criteria: ACMG Guidelines, 2015. Collection method: clinical testing. Allele origin: germline.
Comment: The SLCO2A1 c.907A>G variant is predicted to result in the amino acid substitution p.Lys303Glu. To our knowledge, this variant has not been reported in the literature or in a large population database (gnomAD), indicating this variant is rare. At this time, the clinical significance of this variant is uncertain due to the absence of conclusive functional and genetic evidence.

NM_005630.3(SLCO2A1):c.907A>G (p.Lys303Glu)

Gene: SLCO2A1 (solute carrier organic anion transporter family member 2A1; minus strand). Cytogenetic location: 3q22.1.
Variant type: single nucleotide variant.
Coding change: c.907A>G on transcript NM_005630.3 (MANE Select); coding-DNA position 907, A replaced by G.
Protein change: p.Lys303Glu; replaces lysine 303 with glutamic acid.
Molecular consequence: missense variant.
Genome position (GRCh38, 1-based): chr3:133,948,926, T>C on the plus strand (A>G on the coding strand, the complement: SLCO2A1 is on the minus strand). VCF-style: chr3-133948926-T-C. GRCh37 (hg19) VCF-style: chr3-133667770-T-C.
Other names: short protein forms K303E.
Identifiers: ClinVar variation 4992390 (VCV004992390.1).